The following is an entry in ClinVar:

NM_014918.5(CHSY1):c.261C>T (p.Leu87=)

Genes: CHSY1 (chondroitin sulfate synthase 1; minus strand), LOC130058068 (ATAC-STARR-seq lymphoblastoid silent region 6885; plus strand). Cytogenetic location: 15q26.3.
Variant type: single nucleotide variant.
Coding change: c.261C>T on transcript NM_014918.5 (MANE Select); coding-DNA position 261, C replaced by T.
Protein change: p.Leu87=; no amino-acid change (leucine 87 retained).
Molecular consequence: synonymous variant.
Genome position (GRCh38, 1-based): chr15:101,251,196, G>A on the plus strand (C>T on the coding strand, the complement: CHSY1 is on the minus strand). VCF-style: chr15-101251196-G-A. GRCh37 (hg19) VCF-style: chr15-101791401-G-A.
Identifiers: ClinVar variation 714805 (VCV000714805.32), dbSNP rs369927768, ClinGen allele CA7762787.

ClinVar aggregate classification (germline): Likely benign. Review status: criteria provided, multiple submitters, no conflicts (2 of 4 stars). 3 submissions from 3 submitters: Likely benign (3). Last evaluated 2024-09-12.

Conditions:
Temtamy preaxial brachydactyly syndrome (TPBS). Identifiers: Orphanet 363417, MedGen C1854466, MONDO:0011533, OMIM 605282.

Allele frequency attached by ClinVar (database versions not stated): ESP Exome Variant Server 0.00015; gnomAD exomes 0.00018; ExAC 0.00030; 1000 Genomes Project 30x 0.00031; gnomAD 0.00050 and 0.00054; TOPMed 0.00059.
gnomAD v4.1: 384 of 1,600,942 alleles (0.024%); highest among the groups gnomAD compares: African/African-American, 0.13%; no homozygotes.

Submissions (3):

Blueprint Genetics
Classification: Likely benign. Last evaluated: 2024-09-12. Review status: criteria provided, single submitter. Criteria: ACMG Guidelines, 2015. Collection method: clinical testing. Allele origin: germline.

CeGaT Center for Human Genetics Tuebingen
Classification: Likely benign. Last evaluated: 2023-01-01. Review status: criteria provided, single submitter. Criteria: CeGaT Center For Human Genetics Tuebingen Variant Classification Criteria Version 2. Collection method: clinical testing. Allele origin: germline. Affected: yes. Observed: 1 variant allele.
Comment: CHSY1: BP4, BP7

Labcorp Genetics (formerly Invitae), Labcorp
Classification: Likely benign for Temtamy preaxial brachydactyly syndrome. Last evaluated: 2022-12-30. Review status: criteria provided, single submitter. Criteria: Invitae Variant Classification Sherloc (09022015). Collection method: clinical testing. Allele origin: germline.